The following is an entry in ClinVar:

NM_032119.4(ADGRV1):c.18481T>G (p.Cys6161Gly)

Gene: ADGRV1 (adhesion G protein-coupled receptor V1; plus strand). Cytogenetic location: 5q14.3.
Variant type: single nucleotide variant.
Coding change: c.18481T>G on transcript NM_032119.4 (MANE Select); coding-DNA position 18481, T replaced by G.
Protein change: p.Cys6161Gly; replaces cysteine 6161 with glycine.
Molecular consequence: missense variant. On other transcripts: non-coding transcript variant (1).
Genome position (GRCh38, 1-based): chr5:91,150,078, T>G. VCF-style: chr5-91150078-T-G. GRCh37 (hg19) VCF-style: chr5-90445895-T-G.
Other names: short protein forms C6161G.
Identifiers: ClinVar variation 4761779 (VCV004761779.1).
Genomic context (GRCh38, chr5:91,150,078, plus strand): 5'-TTTTTTTTGCAGGGACTTTATGTTTTCATGGTTTATTTCATTTTACACAACCAAATGTGT[T>G]GCCCTATGAAGGCCAGTTACACTGTGGAAATGAATGGGCATCCTGGACCCAGCACAGCCT-3'
Protein context (NP_115495.3, residues 6151-6171): VYFILHNQMC[Cys6161Gly]PMKASYTVEM

ClinVar aggregate classification (germline): Uncertain significance (1 of 4 stars; one submission).

gnomAD v4.1: 2 of 1,556,260 alleles (0.00013%); highest among the groups gnomAD compares: Admixed American, 0.0039%; no homozygotes.

Submission:

Labcorp Genetics (formerly Invitae), Labcorp
Classification: Uncertain significance. Last evaluated: 2025-03-22. Review status: criteria provided, single submitter. Criteria: Invitae Variant Classification Sherloc (09022015). Collection method: clinical testing. Allele origin: germline.
Comment: This sequence change replaces cysteine, which is neutral and slightly polar, with glycine, which is neutral and non-polar, at codon 6161 of the ADGRV1 protein (p.Cys6161Gly). This variant is present in population databases (rs774389775, gnomAD 0.008%). This variant has not been reported in the literature in individuals affected with ADGRV1-related conditions. An algorithm developed to predict the effect of missense changes on protein structure and function (PolyPhen-2) suggests that this variant is likely to be disruptive. In summary, the available evidence is currently insufficient to determine the role of this variant in disease. Therefore, it has been classified as a Variant of Uncertain Significance.